The following is an entry in ClinVar:

ClinVar aggregate classification (germline): Uncertain significance (1 of 4 stars; one submission).

Conditions:
DICER1-related tumor predisposition. Also called: DICER1 syndrome; DICER1-related pleuropulmonary blastoma cancer predisposition syndrome. Identifiers: Orphanet 284343, MedGen C3839822, MONDO:0100216.

Submission:

Labcorp Genetics (formerly Invitae), Labcorp
Classification: Uncertain significance for DICER1-related tumor predisposition. Last evaluated: 2020-02-21. Review status: criteria provided, single submitter. Criteria: Invitae Variant Classification Sherloc (09022015). Collection method: clinical testing. Allele origin: germline.
Comment: Algorithms developed to predict the effect of missense changes on protein structure and function are either unavailable or do not agree on the potential impact of this missense change (SIFT: "Tolerated"; PolyPhen-2: "Probably Damaging"; Align-GVGD: "Class C0"). In summary, the available evidence is currently insufficient to determine the role of this variant in disease. Therefore, it has been classified as a Variant of Uncertain Significance. This variant has not been reported in the literature in individuals with DICER1-related conditions. This variant is not present in population databases (ExAC no frequency). This sequence change replaces valine with glycine at codon 326 of the DICER1 protein (p.Val326Gly). The valine residue is highly conserved and there is a moderate physicochemical difference between valine and glycine.

NM_177438.3(DICER1):c.977T>G (p.Val326Gly)

Gene: DICER1 (dicer 1, ribonuclease III; minus strand). Cytogenetic location: 14q32.13.
Variant type: single nucleotide variant.
Coding change: c.977T>G on transcript NM_177438.3 (MANE Select); coding-DNA position 977, T replaced by G.
Protein change: p.Val326Gly; replaces valine 326 with glycine.
Molecular consequence: missense variant.
Genome position (GRCh38, 1-based): chr14:95,124,595, A>C on the plus strand (T>G on the coding strand, the complement: DICER1 is on the minus strand). VCF-style: chr14-95124595-A-C. GRCh37 (hg19) VCF-style: chr14-95590932-A-C.
Other names: c.977T>G, p.Val326Gly (NM_001195573.1, NM_001271282.3, NM_001291628.2 and 1 more transcripts); short protein forms V326G.
Identifiers: ClinVar variation 1020220 (VCV001020220.10), dbSNP rs1893241047, ClinGen allele CA390887246.